The following is an entry in ClinVar:

NM_139319.3(SLC17A8):c.797T>C (p.Leu266Pro)

Gene: SLC17A8 (solute carrier family 17 member 8; plus strand). Cytogenetic location: 12q23.1.
Variant type: single nucleotide variant.
Coding change: c.797T>C on transcript NM_139319.3 (MANE Select); coding-DNA position 797, T replaced by C.
Protein change: p.Leu266Pro; replaces leucine 266 with proline.
Molecular consequence: missense variant.
Genome position (GRCh38, 1-based): chr12:100,402,373, T>C. VCF-style: chr12-100402373-T-C. GRCh37 (hg19) VCF-style: chr12-100796151-T-C.
Other names: DFNA25; c.797T>C, p.Leu266Pro (NM_001145288.2); short protein forms L266P.
Identifiers: ClinVar variation 3393405 (VCV003393405.1).
Genomic context (GRCh38, chr12:100,402,373, plus strand): 5'-ACCCAGCCTTTTCTTTTTTAACTGCAGGCATGTTTGGGATTATTTGGTACATGTTTTGGC[T>C]GTTGCAGGCCTATGAGTGCCCAGCAGCTCATCCAACAATATCCAATGAGGAGAAGACCTA-3'
Protein context (NP_647480.1, residues 256-276): MFGIIWYMFW[Leu266Pro]LQAYECPAAH

ClinVar aggregate classification (germline): Uncertain significance (1 of 4 stars; one submission).

Conditions:
Autosomal dominant nonsyndromic hearing loss 25. Identifiers: Orphanet 90635, MedGen C1854158, MONDO:0011568, OMIM 605583.

gnomAD v4.1: 1 of 1,614,174 alleles (0.000062%); no homozygotes.

Submission:

Laboratory of Prof. Karen Avraham, Tel Aviv University
Classification: Uncertain significance for Autosomal dominant nonsyndromic hearing loss 25. Last evaluated: 2024-12-26. Review status: criteria provided, single submitter. Criteria: ACMG Guidelines, 2015. Collection method: research. Allele origin: germline. Affected: yes. Observed: 1 variant allele.
Comment: The SLC17A8 c.797T>C:p.(Leu266Pro) heterozygous variant is extremely rare and predicted deleterious.